The following is an entry in ClinVar:

NM_004239.4(TRIP11):c.4558-46GT[6]

Gene: TRIP11 (thyroid hormone receptor interactor 11; minus strand). Cytogenetic location: 14q32.12.
Variant type: Microsatellite.
Coding change: c.4558-46GT[6] on transcript NM_004239.4 (MANE Select); six copies in a row of the 2-base unit GT starting at c.4558-46; the reference has seven copies in a row; one copy, 2 bases deleted.
Molecular consequence: intron variant.
Genome position (GRCh38, 1-based): chr14:92,000,141-92,000,142, AC deleted on the plus strand (GT on the coding strand, the reverse complement: TRIP11 is on the minus strand); deleting any 2 consecutive bases within chr14:92,000,141-92,000,155 gives the same sequence; the position shown is the placement nearest the transcript's 3' end. VCF-style (leftmost placement, unchanged base first): chr14-92000140-AAC-A. GRCh37 (hg19) VCF-style: chr14-92466484-AAC-A.
Other names: c.4555-46GT[6] (NM_001321851.1).
Identifiers: ClinVar variation 675900 (VCV000675900.1), dbSNP rs112793016, ClinGen allele CA7313423.

ClinVar aggregate classification (germline): Likely benign (1 of 4 stars; one submission).

Submission:

GeneDx
Classification: Likely benign. Last evaluated: 2018-06-19. Review status: criteria provided, single submitter. Criteria: GeneDx Variant Classification (06012015). Collection method: clinical testing. Allele origin: germline. Affected: yes.
Comment: This variant is considered likely benign or benign based on one or more of the following criteria: it is a conservative change, it occurs at a poorly conserved position in the protein, it is predicted to be benign by multiple in silico algorithms, and/or has population frequency not consistent with disease.